The following is an entry in ClinVar:

ClinVar aggregate classification (germline): Uncertain significance. Review status: criteria provided, multiple submitters, no conflicts (2 of 4 stars). 5 submissions from 5 submitters: Uncertain significance (5). Last evaluated 2026-04-24.

Conditions:
Dilated cardiomyopathy 1JJ (CMD1JJ). Identifiers: Orphanet 154, MedGen C3808935, MONDO:0014095, OMIM 615235.
Cardiovascular phenotype. Identifiers: MedGen CN230736.

Allele frequency attached by ClinVar (database versions not stated): gnomAD exomes below 0.00001 and 0.00001; ExAC 0.00002; gnomAD 0.00005; TOPMed 0.00005; ESP Exome Variant Server 0.00023.
gnomAD v4.1: 9 of 1,613,606 alleles (0.00056%); highest among the groups gnomAD compares: African/African-American, 0.012%; no homozygotes.

Submissions (5):

Women's Health and Genetics/Laboratory Corporation of America, LabCorp
Classification: Uncertain significance. Last evaluated: 2026-04-24. Review status: criteria provided, single submitter. Criteria: LabCorp Variant Classification Summary - May 2015. Collection method: clinical testing. Allele origin: germline.

Labcorp Genetics (formerly Invitae), Labcorp
Classification: Uncertain significance for Dilated cardiomyopathy 1JJ. Last evaluated: 2025-04-17. Review status: criteria provided, single submitter. Criteria: Invitae Variant Classification Sherloc (09022015). Collection method: clinical testing. Allele origin: germline.
Comment: This sequence change replaces leucine, which is neutral and non-polar, with phenylalanine, which is neutral and non-polar, at codon 1517 of the LAMA4 protein (p.Leu1517Phe). This variant is present in population databases (rs145315273, gnomAD 0.01%). This variant has not been reported in the literature in individuals affected with LAMA4-related conditions. ClinVar contains an entry for this variant (Variation ID: 541218). Invitae Evidence Modeling of protein sequence and biophysical properties (such as structural, functional, and spatial information, amino acid conservation, physicochemical variation, residue mobility, and thermodynamic stability) indicates that this missense variant is not expected to disrupt LAMA4 protein function with a negative predictive value of 80%. In summary, the available evidence is currently insufficient to determine the role of this variant in disease. Therefore, it has been classified as a Variant of Uncertain Significance.

Ambry Genetics
Classification: Uncertain significance for Cardiovascular phenotype. Last evaluated: 2024-08-23. Review status: criteria provided, single submitter. Criteria: Ambry Variant Classification Scheme 2023. Collection method: clinical testing. Allele origin: germline.
Comment: The p.L1517F variant (also known as c.4551G>C), located in coding exon 32 of the LAMA4 gene, results from a G to C substitution at nucleotide position 4551. The leucine at codon 1517 is replaced by phenylalanine, an amino acid with highly similar properties. This amino acid position is conserved. In addition, the in silico prediction for this alteration is inconclusive. Since supporting evidence is limited at this time, the clinical significance of this alteration remains unclear.

Fulgent Genetics
Classification: Uncertain significance for Dilated cardiomyopathy 1JJ. Last evaluated: 2021-10-20. Review status: criteria provided, single submitter. Criteria: ACMG Guidelines, 2015. Collection method: clinical testing. Allele origin: unknown.

AiLife Diagnostics
Classification: Uncertain significance. Last evaluated: 2021-10-06. Review status: criteria provided, single submitter. Criteria: ACMG Guidelines, 2015. Collection method: clinical testing. Allele origin: germline. Affected: yes. Observed: 1 variant allele.

NM_001105206.3(LAMA4):c.4572G>C (p.Leu1524Phe)

Gene: LAMA4 (laminin subunit alpha 4; minus strand). Cytogenetic location: 6q21.
Variant type: single nucleotide variant.
Coding change: c.4572G>C on transcript NM_001105206.3 (MANE Select); coding-DNA position 4572, G replaced by C.
Protein change: p.Leu1524Phe; replaces leucine 1524 with phenylalanine.
Molecular consequence: missense variant.
Genome position (GRCh38, 1-based): chr6:112,120,376, C>G on the plus strand (G>C on the coding strand, the complement: LAMA4 is on the minus strand). VCF-style: chr6-112120376-C-G. GRCh37 (hg19) VCF-style: chr6-112441579-C-G.
Other names: c.4551G>C, p.Leu1517Phe (NM_001105207.3, NM_002290.5); short protein forms L1517F, L1524F.
Identifiers: ClinVar variation 541218 (VCV000541218.14), dbSNP rs145315273, ClinGen allele CA3964958.